The following is an entry in ClinVar:

ClinVar aggregate classification (germline): Conflicting classifications of pathogenicity. Review status: criteria provided, conflicting classifications (1 of 4 stars). 5 submissions from 5 submitters: Pathogenic (1); Likely pathogenic (2); Uncertain significance (2). Last evaluated 2026-02-02.

Conditions:
COL9A2-related disorder. Also called: COL9A2-related condition.
Epiphyseal dysplasia, multiple, 2 (EDM2). Also called: COL9A2-Related Multiple Epiphyseal Dysplasia. Identifiers: MedGen C1838429, MONDO:0010844, OMIM 600204.
Stickler syndrome, type 5 (STL5). Also called: COL9A2-Related Stickler Syndrome. Identifiers: Orphanet 250984, Orphanet 828, MedGen C3280342, MONDO:0013666, OMIM 614284.

Submissions (5):

PreventionGenetics, part of Exact Sciences
Classification: Likely pathogenic for COL9A2-related condition. Last evaluated: 2026-02-02. Review status: criteria provided, single submitter. Criteria: ACMG Guidelines, 2015. Collection method: clinical testing. Allele origin: germline.
Comment: The COL9A2 c.1485delC variant is predicted to result in a frameshift and premature protein termination (p.Gly496Alafs*35). To our knowledge, this variant has not been reported in the literature. This variant is reported in 0.0079% of alleles in individuals of African descent in gnomAD. Frameshift variants in COL9A2 are expected to be pathogenic. This variant is interpreted as likely pathogenic.

Labcorp Genetics (formerly Invitae), Labcorp
Classification: Pathogenic. Last evaluated: 2025-11-18. Review status: criteria provided, single submitter. Criteria: Invitae Variant Classification Sherloc (09022015). Collection method: clinical testing. Allele origin: germline.
Comment: This sequence change creates a premature translational stop signal (p.Gly496Alafs*35) in the COL9A2 gene. It is expected to result in an absent or disrupted protein product. Loss-of-function variants in COL9A2 are known to be pathogenic (PMID: 21671392, 33356723). The frequency data for this variant in the population databases is considered unreliable, as metrics indicate poor data quality at this position in the gnomAD database. This variant has not been reported in the literature in individuals affected with COL9A2-related conditions. ClinVar contains an entry for this variant (Variation ID: 1007311). For these reasons, this variant has been classified as Pathogenic.

Blueprint Genetics
Classification: Likely pathogenic for COL9A2-related disorders. Last evaluated: 2024-04-29. Review status: criteria provided, single submitter. Criteria: ACMG Guidelines, 2015. Collection method: clinical testing. Allele origin: germline. Affected: yes. Observed: 1 variant allele.

Fulgent Genetics
Classification: Uncertain significance for Epiphyseal dysplasia, multiple, 2; Stickler syndrome, type 5. Last evaluated: 2021-10-06. Review status: criteria provided, single submitter. Criteria: ACMG Guidelines, 2015. Collection method: clinical testing. Allele origin: unknown.

GeneDx
Classification: Uncertain significance. Last evaluated: 2020-03-06. Review status: criteria provided, single submitter. Criteria: GeneDx Variant Classification (06012015). Collection method: clinical testing. Allele origin: germline. Affected: yes.
Comment: Has not been previously published as pathogenic or benign to our knowledge Not observed in large population cohorts (Lek et al., 2016) Frameshift variant predicted to result in protein truncation or nonsense mediated decay in a gene for which loss-of-function is not a known mechanism of disease

Literature cited by the submitters: PubMed 21671392 (cited by Labcorp Genetics (formerly Invitae), Labcorp); PubMed 33356723 (cited by Labcorp Genetics (formerly Invitae), Labcorp).

NM_001852.4(COL9A2):c.1485del (p.Gly496fs)

Gene: COL9A2 (collagen type IX alpha 2 chain; minus strand). Cytogenetic location: 1p34.2.
Variant type: Deletion.
Coding change: c.1485del on transcript NM_001852.4 (MANE Select); coding-DNA position 1485, one base deleted (C; older notation c.1485delC).
Protein change: p.Gly496fs; shifts the reading frame from glycine 496.
Molecular consequence: frameshift variant.
Genome position (GRCh38, 1-based): chr1:40,303,593, G deleted on the plus strand (C on the coding strand, the reverse complement: COL9A2 is on the minus strand); the first of 6 consecutive G bases (chr1:40,303,593-40,303,598); deleting any one gives the same sequence. VCF-style (leftmost placement, unchanged base first): chr1-40303592-CG-C. GRCh37 (hg19) VCF-style: chr1-40769264-CG-C.
Other names: short protein forms G496fs.
Identifiers: ClinVar variation 1007311 (VCV001007311.11), dbSNP rs761748258, ClinGen allele CA791430.
Genomic context (GRCh38, chr1:40,303,592, plus strand): 5'-CCACGCCCTGTCTCCCGGGCTGTCCTGGCACGCCTCGGTTCCCGGCCAGTCCTCGAGGGC[CG>C]GGGGGACCAGGGTAGCCCTGAACCCCTGGGGCGCCCGCATCCCCGCTGGGGCCAGGGTAG-3'